The following is an entry in ClinVar:

ClinVar aggregate classification (germline): Benign/Likely benign. Review status: criteria provided, multiple submitters, no conflicts (2 of 4 stars). 7 submissions from 7 submitters: Benign (1); Likely benign (5). 1 of the submissions does not count toward it. Last evaluated 2026-01-15.

Conditions:
TTC19-related disorder. Also called: TTC19-related condition.
Inborn genetic diseases. Identifiers: MedGen C0950123, MeSH D030342.

Allele frequency attached by ClinVar (database versions not stated): gnomAD exomes 0.00011 and 0.00029; ExAC 0.00040; 1000 Genomes Project 30x 0.00047; 1000 Genomes Project 0.00060; gnomAD 0.00139 and 0.00151; TOPMed 0.00145; ESP Exome Variant Server 0.00185.
gnomAD v4.1: 379 of 1,614,112 alleles (0.023%); highest among the groups gnomAD compares: African/African-American, 0.47%; no homozygotes.

Submissions (7):

Labcorp Genetics (formerly Invitae), Labcorp
Classification: Likely benign. Last evaluated: 2026-01-15. Review status: criteria provided, single submitter. Criteria: Invitae Variant Classification Sherloc (09022015). Collection method: clinical testing. Allele origin: germline.

Mayo Clinic Laboratories, Mayo Clinic
Classification: Likely benign. Last evaluated: 2025-04-09. Review status: criteria provided, single submitter. Criteria: ACMG Guidelines, 2015. Collection method: clinical testing. Allele origin: germline. Observed: 3 variant alleles.
Comment: BS1

Ambry Genetics
Classification: Likely benign for Inborn genetic diseases. Last evaluated: 2024-03-01. Review status: criteria provided, single submitter. Criteria: Ambry Variant Classification Scheme 2023. Collection method: clinical testing. Allele origin: germline.

Blueprint Genetics
Classification: Likely benign. Last evaluated: 2023-12-27. Review status: criteria provided, single submitter. Criteria: ACMG Guidelines, 2015. Collection method: clinical testing. Allele origin: germline.

GeneDx
Classification: Benign. Last evaluated: 2015-01-30. Review status: criteria provided, single submitter. Criteria: GeneDx Variant Classification (06012015). Collection method: clinical testing. Allele origin: germline. Affected: yes.
Comment: This variant is considered likely benign or benign based on one or more of the following criteria: it is a conservative change, it occurs at a poorly conserved position in the protein, it is predicted to be benign by multiple in silico algorithms, and/or has population frequency not consistent with disease.

Breakthrough Genomics
Classification: Likely benign. Review status: criteria provided, single submitter. Criteria: ACMG Guidelines, 2015. Collection method: not provided. Allele origin: germline. Inheritance: Autosomal recessive inheritance. Affected: yes.

PreventionGenetics, part of Exact Sciences
Classification: Likely benign for TTC19-related condition. Last evaluated: 2022-05-17. Review status: no assertion criteria provided. Collection method: clinical testing. Allele origin: germline. Not counted in ClinVar's aggregate classification.
Comment: This variant is classified as likely benign based on ACMG/AMP sequence variant interpretation guidelines (Richards et al. 2015 PMID: 25741868, with internal and published modifications).

NM_017775.4(TTC19):c.911G>C (p.Arg304Thr)

Gene: TTC19 (tetratricopeptide repeat domain 19; plus strand). Cytogenetic location: 17p12.
Variant type: single nucleotide variant.
Coding change: c.911G>C on transcript NM_017775.4 (MANE Select); coding-DNA position 911, G replaced by C.
Protein change: p.Arg304Thr; replaces arginine 304 with threonine.
Molecular consequence: missense variant.
Genome position (GRCh38, 1-based): chr17:16,026,619, G>C. VCF-style: chr17-16026619-G-C. GRCh37 (hg19) VCF-style: chr17-15929933-G-C.
Other names: p.R304T:AGG>ACG; p.Arg304Thr; c.1274G>C (NM_017775.2); c.590G>C, p.Arg197Thr (NM_001271420.2); short protein forms R304T, R197T.
Identifiers: ClinVar variation 215296 (VCV000215296.16), dbSNP rs73981411, ClinGen allele CA319878.